The following is an entry in ClinVar:

NM_152419.3(HGSNAT):c.1466C>T (p.Ala489Val)

Gene: HGSNAT (heparan-alpha-glucosaminide N-acetyltransferase; plus strand). Cytogenetic location: 8p11.21.
Variant type: single nucleotide variant.
Coding change: c.1466C>T on transcript NM_152419.3 (MANE Select); coding-DNA position 1466, C replaced by T.
Protein change: p.Ala489Val; replaces alanine 489 with valine.
Molecular consequence: missense variant.
Genome position (GRCh38, 1-based): chr8:43,196,949, C>T. VCF-style: chr8-43196949-C-T. GRCh37 (hg19) VCF-style: chr8-43052092-C-T.
Other names: c.1553C>T, p.Ala518Val (NM_001363227.2); c.1274C>T, p.Ala425Val (NM_001363228.2); c.602C>T, p.Ala201Val (NM_001363229.2); short protein forms A201V, A425V, A489V, A518V.
Identifiers: ClinVar variation 3373167 (VCV003373167.1).

ClinVar aggregate classification (germline): Uncertain significance (1 of 4 stars; one submission).

gnomAD v4.1: 1 of 1,594,614 alleles (0.000063%); highest among the groups gnomAD compares: South Asian, 0.0011%; no homozygotes.

Submission:

GeneDx
Classification: Uncertain significance. Last evaluated: 2024-04-29. Review status: criteria provided, single submitter. Criteria: GeneDx Variant Classification Process June 2021. Collection method: clinical testing. Allele origin: germline. Affected: yes.
Comment: Not observed at significant frequency in large population cohorts (gnomAD); In silico analysis supports that this missense variant has a deleterious effect on protein structure/function; Has not been previously published as pathogenic or benign to our knowledge